The following is an entry in ClinVar:

NM_006206.6(PDGFRA):c.2432C>T (p.Ser811Leu)

Gene: PDGFRA (platelet derived growth factor receptor alpha; plus strand). Cytogenetic location: 4q12.
Variant type: single nucleotide variant.
Coding change: c.2432C>T on transcript NM_006206.6 (MANE Select); coding-DNA position 2432, C replaced by T.
Protein change: p.Ser811Leu; replaces serine 811 with leucine.
Molecular consequence: missense variant.
Genome position (GRCh38, 1-based): chr4:54,285,479, C>T. VCF-style: chr4-54285479-C-T. GRCh37 (hg19) VCF-style: chr4-55151646-C-T.
Other names: c.2507C>T, p.Ser836Leu (NM_001347828.2); c.2432C>T, p.Ser811Leu (NM_001347829.2); c.2471C>T, p.Ser824Leu (NM_001347830.2); short protein forms S824L, S811L, S836L.
Identifiers: ClinVar variation 1402533 (VCV001402533.8), dbSNP rs2110336156, ClinGen allele CA356894819.

ClinVar aggregate classification (germline): Uncertain significance (1 of 4 stars; one submission).

Conditions:
Gastrointestinal stromal tumor. Also called: Gastrointestinal stroma tumor; Gastrointestinal stromal tumor, somatic. Identifiers: Orphanet 44890, MedGen C0238198, MeSH D046152, MONDO:0011719, OMIM 606764, HP:0100723.

Submission:

Labcorp Genetics (formerly Invitae), Labcorp
Classification: Uncertain significance for Gastrointestinal stromal tumor. Last evaluated: 2021-06-23. Review status: criteria provided, single submitter. Criteria: Invitae Variant Classification Sherloc (09022015). Collection method: clinical testing. Allele origin: germline.
Comment: This sequence change replaces serine with leucine at codon 811 of the PDGFRA protein (p.Ser811Leu). The serine residue is highly conserved and there is a large physicochemical difference between serine and leucine. In summary, the available evidence is currently insufficient to determine the role of this variant in disease. Therefore, it has been classified as a Variant of Uncertain Significance. Algorithms developed to predict the effect of missense changes on protein structure and function (SIFT, PolyPhen-2, Align-GVGD) all suggest that this variant is likely to be disruptive, but these predictions have not been confirmed by published functional studies and their clinical significance is uncertain. This variant has not been reported in the literature in individuals with PDGFRA-related conditions. This variant is not present in population databases (ExAC no frequency).